The following is an entry in ClinVar:

NM_005199.5(CHRNG):c.198C>T (p.Asn66=)

Gene: CHRNG (cholinergic receptor nicotinic gamma subunit; plus strand). Cytogenetic location: 2q37.1.
Variant type: single nucleotide variant.
Coding change: c.198C>T on transcript NM_005199.5 (MANE Select); coding-DNA position 198, C replaced by T.
Protein change: p.Asn66=; no amino-acid change (asparagine 66 retained).
Molecular consequence: synonymous variant.
Genome position (GRCh38, 1-based): chr2:232,540,383, C>T. VCF-style: chr2-232540383-C-T. GRCh37 (hg19) VCF-style: chr2-233405093-C-T.
Other names: c.198C>T (NM_005199.4).
Identifiers: ClinVar variation 2702516 (VCV002702516.4), dbSNP rs148982752, ClinGen allele CA2168552.

ClinVar aggregate classification (germline): Likely benign. Review status: criteria provided, single submitter (1 of 4 stars). 2 submissions from 2 submitters: Likely benign (1). 1 of the submissions does not count toward it. Last evaluated 2024-02-02.

Conditions:
CHRNG-related disorder. Also called: CHRNG-related condition; CHRNG-related disorders.

Allele frequency attached by ClinVar (database versions not stated): ExAC 0.00007; gnomAD 0.00024; TOPMed 0.00025; ESP Exome Variant Server 0.00031.

Submissions (2):

Labcorp Genetics (formerly Invitae), Labcorp
Classification: Likely benign. Last evaluated: 2024-02-02. Review status: criteria provided, single submitter. Criteria: Invitae Variant Classification Sherloc (09022015). Collection method: clinical testing. Allele origin: germline.

PreventionGenetics, part of Exact Sciences
Classification: Likely benign for CHRNG-related condition. Last evaluated: 2024-08-21. Review status: no assertion criteria provided. Collection method: clinical testing. Allele origin: germline. Not counted in ClinVar's aggregate classification.
Comment: This variant is classified as likely benign based on ACMG/AMP sequence variant interpretation guidelines (Richards et al. 2015 PMID: 25741868, with internal and published modifications).